The following is an entry in ClinVar:

NM_000218.3(KCNQ1):c.386+3G>C

Gene: KCNQ1 (potassium voltage-gated channel subfamily Q member 1; plus strand). Cytogenetic location: 11p15.5.
Variant type: single nucleotide variant.
Coding change: c.386+3G>C on transcript NM_000218.3 (MANE Select); 3 bases into the intron after coding-DNA position 386, G replaced by C.
Molecular consequence: intron variant.
Genome position (GRCh38, 1-based): chr11:2,445,487, G>C. VCF-style: chr11-2445487-G-C. GRCh37 (hg19) VCF-style: chr11-2466717-G-C.
Other names: c.24+3G>C (NM_001406837.1); c.386+3G>C (NM_001406836.1, NM_001406838.1).
Identifiers: ClinVar variation 3655990 (VCV003655990.2).

ClinVar aggregate classification (germline): Uncertain significance (1 of 4 stars; one submission).

Conditions:
Long QT syndrome (LQTS). Identifiers: MedGen C0023976, MeSH D008133, MONDO:0002442. Disease mechanism: loss of function. Inheritance: Various modes of inheritance.

Submission:

Labcorp Genetics (formerly Invitae), Labcorp
Classification: Uncertain significance for Long QT syndrome. Last evaluated: 2024-06-09. Review status: criteria provided, single submitter. Criteria: Invitae Variant Classification Sherloc (09022015). Collection method: clinical testing. Allele origin: germline.
Comment: This sequence change falls in intron 1 of the KCNQ1 gene. It does not directly change the encoded amino acid sequence of the KCNQ1 protein. It affects a nucleotide within the consensus splice site. This variant is not present in population databases (gnomAD no frequency). This variant has not been reported in the literature in individuals affected with KCNQ1-related conditions. Variants that disrupt the consensus splice site are a relatively common cause of aberrant splicing (PMID: 17576681, 9536098). Algorithms developed to predict the effect of sequence changes on RNA splicing suggest that this variant may disrupt the consensus splice site. In summary, the available evidence is currently insufficient to determine the role of this variant in disease. Therefore, it has been classified as a Variant of Uncertain Significance.

Literature cited by the submitters: PubMed 17576681; PubMed 9536098.